The following is an entry in ClinVar:

NM_172240.3(POC1B):c.923G>A (p.Gly308Asp)

Genes: POC1B (POC1 centriolar protein B; minus strand), POC1B-DUSP6 (POC1B-DUSP6 readthrough; minus strand). Cytogenetic location: 12q21.33.
Variant type: single nucleotide variant.
Coding change: c.923G>A on transcript NM_172240.3 (MANE Select); coding-DNA position 923, G replaced by A.
Protein change: p.Gly308Asp; replaces glycine 308 with aspartic acid.
Molecular consequence: missense variant. On other transcripts: non-coding transcript variant (2).
Genome position (GRCh38, 1-based): chr12:89,466,879, C>T on the plus strand (G>A on the coding strand, the complement: POC1B is on the minus strand). VCF-style: chr12-89466879-C-T. GRCh37 (hg19) VCF-style: chr12-89860656-C-T.
Other names: c.797G>A, p.Gly266Asp (NM_001199777.2); short protein forms G266D, G308D.
Identifiers: ClinVar variation 961472 (VCV000961472.9), dbSNP rs746318136, ClinGen allele CA6714344.

ClinVar aggregate classification (germline): Conflicting classifications of pathogenicity. Review status: criteria provided, conflicting classifications (1 of 4 stars). 4 submissions from 4 submitters: Uncertain significance (3); Likely benign (1). Last evaluated 2024-03-28.

Conditions:
Inborn genetic diseases. Identifiers: MedGen C0950123, MeSH D030342.
Cone-rod dystrophy 20 (CORD20). Identifiers: Orphanet 1872, MedGen C4014856, MONDO:0014427, OMIM 615973.

Allele frequency attached by ClinVar (database versions not stated): gnomAD 0.00001; gnomAD exomes 0.00001; TOPMed 0.00001; ExAC 0.00002.
gnomAD v4.1: 62 of 1,612,886 alleles (0.0038%); highest among the groups gnomAD compares: Middle Eastern, 0.016%; no homozygotes.

Submissions (4):

Ambry Genetics
Classification: Likely benign for Inborn genetic diseases. Last evaluated: 2024-03-28. Review status: criteria provided, single submitter. Criteria: Ambry Variant Classification Scheme 2023. Collection method: clinical testing. Allele origin: germline.

Fulgent Genetics
Classification: Uncertain significance for Cone-rod dystrophy 20. Last evaluated: 2023-12-28. Review status: criteria provided, single submitter. Criteria: ACMG Guidelines, 2015. Collection method: clinical testing. Allele origin: germline.

Blueprint Genetics
Classification: Uncertain significance. Last evaluated: 2022-09-14. Review status: criteria provided, single submitter. Criteria: ACMG Guidelines, 2015. Collection method: clinical testing. Allele origin: germline.

Labcorp Genetics (formerly Invitae), Labcorp
Classification: Uncertain significance. Last evaluated: 2022-02-08. Review status: criteria provided, single submitter. Criteria: Invitae Variant Classification Sherloc (09022015). Collection method: clinical testing. Allele origin: germline.
Comment: This sequence change replaces glycine, which is neutral and non-polar, with aspartic acid, which is acidic and polar, at codon 308 of the POC1B protein (p.Gly308Asp). This variant is present in population databases (rs746318136, gnomAD 0.003%). This variant has not been reported in the literature in individuals affected with POC1B-related conditions. ClinVar contains an entry for this variant (Variation ID: 961472). Algorithms developed to predict the effect of missense changes on protein structure and function output the following: SIFT: "Tolerated"; PolyPhen-2: "Benign"; Align-GVGD: "Class C0". The aspartic acid amino acid residue is found in multiple mammalian species, which suggests that this missense change does not adversely affect protein function. In summary, the available evidence is currently insufficient to determine the role of this variant in disease. Therefore, it has been classified as a Variant of Uncertain Significance.